The following is an entry in ClinVar:

NM_205836.3(FBXO38):c.1789G>C (p.Asp597His)

Gene: FBXO38 (F-box protein 38; plus strand). Cytogenetic location: 5q32.
Variant type: single nucleotide variant.
Coding change: c.1789G>C on transcript NM_205836.3 (MANE Select); coding-DNA position 1789, G replaced by C.
Protein change: p.Asp597His; replaces aspartic acid 597 with histidine.
Molecular consequence: missense variant.
Genome position (GRCh38, 1-based): chr5:148,425,572, G>C. VCF-style: chr5-148425572-G-C. GRCh37 (hg19) VCF-style: chr5-147805135-G-C.
Other names: c.1789G>C, p.Asp597His (NM_001271723.2, NM_030793.5); short protein forms D597H.
Identifiers: ClinVar variation 1780157 (VCV001780157.2), dbSNP rs1306824476, ClinGen allele CA361655424.
Genomic context (GRCh38, chr5:148,425,572, plus strand): 5'-TTTTTTTAAGGACCCAGTGGTCTTCAGCGTGTAGTAAAACCAACCTCAATTACTGTTCAT[G>C]ATTCAGAGAGTGATGATGAAGAAGATAGTCTAGAACTCCAAGAAGTCTGGATTCCTAAGA-3'
Protein context (NP_995308.1, residues 587-607): VVKPTSITVH[Asp597His]SESDDEEDSL

ClinVar aggregate classification (germline): Uncertain significance (1 of 4 stars; one submission).

Allele frequency attached by ClinVar (database versions not stated): TOPMed 0.00001.

Submission:

Ambry Genetics
Classification: Uncertain significance. Last evaluated: 2020-04-14. Review status: criteria provided, single submitter. Criteria: Ambry Variant Classification Scheme 2023. Collection method: clinical testing. Allele origin: germline.
Comment: The p.D597H variant (also known as c.1789G>C), located in coding exon 13 of the FBXO38 gene, results from a G to C substitution at nucleotide position 1789. The aspartic acid at codon 597 is replaced by histidine, an amino acid with similar properties. This amino acid position is highly conserved in available vertebrate species. In addition, the in silico prediction for this alteration is inconclusive. Since supporting evidence is limited at this time, the clinical significance of this alteration remains unclear.